The following is an entry in ClinVar:

NC_000004.11:g.(?_994390)_(998355_?)del

Gene: IDUA (alpha-L-iduronidase; plus strand). Cytogenetic location: 4p16.3.
Variant type: Deletion.
Identifiers: ClinVar variation 1454674 (VCV001454674.5).

ClinVar aggregate classification (germline): Pathogenic (1 of 4 stars; one submission).

Conditions:
Mucopolysaccharidosis type 1. Also called: IDUA deficiency; MPS I. Identifiers: Orphanet 579, MedGen C0023786, MONDO:0001586.

Submission:

Labcorp Genetics (formerly Invitae), Labcorp
Classification: Pathogenic for Mucopolysaccharidosis type 1. Last evaluated: 2021-09-08. Review status: criteria provided, single submitter. Criteria: Invitae Variant Classification Sherloc (09022015). Collection method: clinical testing. Allele origin: germline.
Comment: For these reasons, this variant has been classified as Pathogenic. This variant disrupts a region of the IDUA protein in which other variant(s) (p.Ser633*) have been determined to be pathogenic (PMID: 28752568; Invitae). This suggests that this is a clinically significant region of the protein, and that variants that disrupt it are likely to be disease-causing. This variant has not been reported in the literature in individuals affected with IDUA-related conditions. This variant is a gross deletion of the genomic region encompassing exon(s) 3-14 of the IDUA gene, which includes the termination codon. This deletion extends beyond the assayed region for this gene and therefore may encompass additional genes. While this deletion is not anticipated to lead to nonsense mediated decay, it is expected to alter mRNA translation or result in a truncated protein product.

Literature cited by the submitters: PubMed 28752568.